The following is an entry in ClinVar:

ClinVar aggregate classification (germline): Uncertain significance (1 of 4 stars; one submission).

Conditions:
Familial hypobetalipoproteinemia 1. Also called: APOB-Related Familial Hypobetalipoproteinemia; Hypobetalipoproteinemia, normotriglyceridemic; Acanthocytosis with hypobetalipoproteinemia. Identifiers: MedGen C4551990, MONDO:0014252, OMIM 615558.
Hypercholesterolemia, autosomal dominant, type B (FHCL2). Also called: APOB-Related Familial Hypercholesterolemia, Autosomal Dominant; Familial hypercholesterolemia 2; Familial Hypercholesterolemia Type B; APOLIPOPROTEIN B-100, FAMILIAL DEFECTIVE; APOLIPOPROTEIN B-100, FAMILIAL LIGAND-DEFECTIVE; HYPERCHOLESTEROLEMIA, FAMILIAL, DUE TO LIGAND-DEFECTIVE APOLIPOPROTEIN B. Identifiers: MedGen C1704417, MONDO:0007751, OMIM 144010.

gnomAD v4.1: 2 of 1,614,042 alleles (0.00012%); highest among the groups gnomAD compares: East Asian, 0.0022%; no homozygotes.

Submission:

Labcorp Genetics (formerly Invitae), Labcorp
Classification: Uncertain significance for Familial hypobetalipoproteinemia 1; Hypercholesterolemia, autosomal dominant, type B. Last evaluated: 2025-10-17. Review status: criteria provided, single submitter. Criteria: Invitae Variant Classification Sherloc (09022015). Collection method: clinical testing. Allele origin: germline.
Comment: This sequence change replaces proline, which is neutral and non-polar, with leucine, which is neutral and non-polar, at codon 2702 of the APOB protein (p.Pro2702Leu). This variant is present in population databases (rs770858824, gnomAD 0.0009%). This variant has not been reported in the literature in individuals affected with APOB-related conditions. Invitae Evidence Modeling of protein sequence and biophysical properties (such as structural, functional, and spatial information, amino acid conservation, physicochemical variation, residue mobility, and thermodynamic stability) indicates that this missense variant is not expected to disrupt APOB protein function with a negative predictive value of 95%. In summary, the available evidence is currently insufficient to determine the role of this variant in disease. Therefore, it has been classified as a Variant of Uncertain Significance.

NM_000384.3(APOB):c.8105C>T (p.Pro2702Leu)

Gene: APOB (apolipoprotein B; minus strand). Cytogenetic location: 2p24.1.
Variant type: single nucleotide variant.
Coding change: c.8105C>T on transcript NM_000384.3 (MANE Select); coding-DNA position 8105, C replaced by T.
Protein change: p.Pro2702Leu; replaces proline 2702 with leucine.
Molecular consequence: missense variant.
Genome position (GRCh38, 1-based): chr2:21,008,763, G>A on the plus strand (C>T on the coding strand, the complement: APOB is on the minus strand). VCF-style: chr2-21008763-G-A. GRCh37 (hg19) VCF-style: chr2-21231635-G-A.
Other names: short protein forms P2702L.
Identifiers: ClinVar variation 4787080 (VCV004787080.1).